The following is an entry in ClinVar:

NM_018082.6(POLR3B):c.706A>G (p.Ile236Val)

Gene: POLR3B (RNA polymerase III subunit B; plus strand). Cytogenetic location: 12q23.3.
Variant type: single nucleotide variant.
Coding change: c.706A>G on transcript NM_018082.6 (MANE Select); coding-DNA position 706, A replaced by G.
Protein change: p.Ile236Val; replaces isoleucine 236 with valine.
Molecular consequence: missense variant.
Genome position (GRCh38, 1-based): chr12:106,380,122, A>G. VCF-style: chr12-106380122-A-G. GRCh37 (hg19) VCF-style: chr12-106773900-A-G.
Other names: c.532A>G, p.Ile178Val (NM_001160708.2); short protein forms I178V, I236V.
Identifiers: ClinVar variation 1312301 (VCV001312301.2), dbSNP rs758503582, ClinGen allele CA6761760.
Genomic context (GRCh38, chr12:106,380,122, plus strand): 5'-ATGGCTGTGAAACAAGGACGATTTTATTTGAGGCATAATACTTTGTCAGAAGATATACCC[A>G]TTGTCATCATATTTAAGGTAAAGCTGCAGCTCTCTTCTGAAAATTGTAAGAATTCTTTCT-3'
Protein context (NP_060552.4, residues 226-246): RHNTLSEDIP[Ile236Val]VIIFKAMGVE

ClinVar aggregate classification (germline): Uncertain significance (1 of 4 stars; one submission).

Allele frequency attached by ClinVar (database versions not stated): gnomAD exomes below 0.00001 and 0.00001; ExAC 0.00001; gnomAD 0.00001; TOPMed 0.00001.
gnomAD v4.1: 18 of 1,578,924 alleles (0.0011%); highest among the groups gnomAD compares: Non-Finnish European, 0.0012%; no homozygotes.

Submission:

GeneDx
Classification: Uncertain significance. Last evaluated: 2019-11-08. Review status: criteria provided, single submitter. Criteria: GeneDx Variant Classification Process June 2021. Collection method: clinical testing. Allele origin: germline. Affected: yes.
Comment: Not observed at a significant frequency in large population cohorts (Lek et al., 2016); In silico analysis, which includes protein predictors and evolutionary conservation, supports that this variant does not alter protein structure/function; Has not been previously published as pathogenic or benign to our knowledge